The following is an entry in ClinVar:

NM_032119.4(ADGRV1):c.17756-5T>C

Gene: ADGRV1 (adhesion G protein-coupled receptor V1; plus strand). Cytogenetic location: 5q14.3.
Variant type: single nucleotide variant.
Coding change: c.17756-5T>C on transcript NM_032119.4 (MANE Select); 5 bases into the intron before coding-DNA position 17756, T replaced by C.
Molecular consequence: intron variant.
Genome position (GRCh38, 1-based): chr5:90,863,752, T>C. VCF-style: chr5-90863752-T-C. GRCh37 (hg19) VCF-style: chr5-90159569-T-C.
Identifiers: ClinVar variation 389683 (VCV000389683.16), dbSNP rs148654550, ClinGen allele CA3342445.

ClinVar aggregate classification (germline): Benign/Likely benign. Review status: criteria provided, multiple submitters, no conflicts (2 of 4 stars). 5 submissions from 5 submitters: Benign (1); Likely benign (4). Last evaluated 2026-02-04.

Conditions:
ADGRV1-related disorder. Also called: ADGRV1-related disorders; ADGRV1-related condition.

Allele frequency attached by ClinVar (database versions not stated): gnomAD exomes 0.00005 and 0.00016; ExAC 0.00023; 1000 Genomes Project 30x 0.00031; ESP Exome Variant Server 0.00033; 1000 Genomes Project 0.00040; gnomAD 0.00054 and 0.00056; TOPMed 0.00071.
gnomAD v4.1: 172 of 1,607,110 alleles (0.011%); highest among the groups gnomAD compares: African/African-American, 0.18%; no homozygotes.

Submissions (5):

Labcorp Genetics (formerly Invitae), Labcorp
Classification: Benign. Last evaluated: 2026-02-04. Review status: criteria provided, single submitter. Criteria: Invitae Variant Classification Sherloc (09022015). Collection method: clinical testing. Allele origin: germline.

Women's Health and Genetics/Laboratory Corporation of America, LabCorp
Classification: Likely benign. Last evaluated: 2025-07-15. Review status: criteria provided, single submitter. Criteria: LabCorp Variant Classification Summary - May 2015. Collection method: clinical testing. Allele origin: germline.

PreventionGenetics, part of Exact Sciences
Classification: Likely benign for ADGRV1-related condition. Last evaluated: 2025-02-21. Review status: criteria provided, single submitter. Criteria: ACMG Guidelines, 2015. Collection method: clinical testing. Allele origin: germline.
Comment: This variant is classified as likely benign based on ACMG/AMP sequence variant interpretation guidelines (Richards et al. 2015 PMID: 25741868, with internal and published modifications).

Blueprint Genetics
Classification: Likely benign. Last evaluated: 2024-11-26. Review status: criteria provided, single submitter. Criteria: ACMG Guidelines, 2015. Collection method: clinical testing. Allele origin: germline.

GeneDx
Classification: Likely benign. Last evaluated: 2020-02-26. Review status: criteria provided, single submitter. Criteria: GeneDx Variant Classification Process June 2021. Collection method: clinical testing. Allele origin: germline. Affected: yes.